The following is an entry in ClinVar:

ClinVar aggregate classification (germline): Uncertain significance. Review status: criteria provided, multiple submitters, no conflicts (2 of 4 stars). 3 submissions from 3 submitters: Uncertain significance (3). Last evaluated 2025-10-13.

Conditions:
Hereditary sensory and autonomic neuropathy with spastic paraplegia (HSNSP). Identifiers: Orphanet 139578, MedGen C1850395, MONDO:0009748, OMIM 256840.

Allele frequency attached by ClinVar (database versions not stated): TOPMed 0.00005.
gnomAD v4.1: 105 of 1,606,600 alleles (0.0065%); highest among the groups gnomAD compares: Non-Finnish European, 0.008%; no homozygotes.

Submissions (3):

Labcorp Genetics (formerly Invitae), Labcorp
Classification: Uncertain significance for Hereditary sensory and autonomic neuropathy with spastic paraplegia. Last evaluated: 2025-10-13. Review status: criteria provided, single submitter. Criteria: Invitae Variant Classification Sherloc (09022015). Collection method: clinical testing. Allele origin: germline.
Comment: This sequence change replaces aspartic acid, which is acidic and polar, with histidine, which is basic and polar, at codon 492 of the CCT5 protein (p.Asp492His). This variant is present in population databases (rs749250007, gnomAD 0.008%). This variant has not been reported in the literature in individuals affected with CCT5-related conditions. ClinVar contains an entry for this variant (Variation ID: 350260). Invitae Evidence Modeling of protein sequence and biophysical properties (such as structural, functional, and spatial information, amino acid conservation, physicochemical variation, residue mobility, and thermodynamic stability) indicates that this missense variant is expected to disrupt CCT5 protein function with a positive predictive value of 80%. In summary, the available evidence is currently insufficient to determine the role of this variant in disease. Therefore, it has been classified as a Variant of Uncertain Significance.

Ambry Genetics
Classification: Uncertain significance. Last evaluated: 2025-04-08. Review status: criteria provided, single submitter. Criteria: Ambry Variant Classification Scheme 2023. Collection method: clinical testing. Allele origin: germline.

Illumina Laboratory Services, Illumina
Classification: Uncertain significance for Hereditary sensory and autonomic neuropathy with spastic paraplegia. Last evaluated: 2018-01-12. Review status: criteria provided, single submitter. Criteria: ICSL Variant Classification Criteria 13 December 2019. Collection method: clinical testing. Allele origin: germline.

NM_012073.5(CCT5):c.1474G>C (p.Asp492His)

Gene: CCT5 (chaperonin containing TCP1 subunit 5; plus strand). Cytogenetic location: 5p15.2.
Variant type: single nucleotide variant.
Coding change: c.1474G>C on transcript NM_012073.5 (MANE Select); coding-DNA position 1474, G replaced by C.
Protein change: p.Asp492His; replaces aspartic acid 492 with histidine.
Molecular consequence: missense variant.
Genome position (GRCh38, 1-based): chr5:10,263,290, G>C. VCF-style: chr5-10263290-G-C. GRCh37 (hg19) VCF-style: chr5-10263402-G-C.
Other names: c.1411G>C, p.Asp471His (NM_001306153.1); c.1309G>C, p.Asp437His (NM_001306154.2); c.1195G>C, p.Asp399His (NM_001306155.2); c.1360G>C, p.Asp454His (NM_001306156.2); short protein forms D492H, D399H, D437H, D454H, D471H.
Identifiers: ClinVar variation 350260 (VCV000350260.9), dbSNP rs749250007, ClinGen allele CA3198378.